The following is an entry in ClinVar:

ClinVar aggregate classification (germline): Uncertain significance (1 of 4 stars; one submission).

Allele frequency attached by ClinVar (database versions not stated): gnomAD exomes below 0.00001; TOPMed below 0.00001; gnomAD 0.00001.
gnomAD v4.1: 8 of 1,609,314 alleles (0.0005%); highest among the groups gnomAD compares: Non-Finnish European, 0.00042%; no homozygotes.

Submission:

GeneDx
Classification: Uncertain significance. Last evaluated: 2012-12-12. Review status: criteria provided, single submitter. Criteria: GeneDx Variant Classification (06012015). Collection method: clinical testing. Allele origin: germline. Affected: yes.
Comment: Missense variants in the TTN gene are considered 'unclassified' if they are not previously reported in the literature and do not have >1% frequency in the population to be considered a polymorphism. Research indicates that truncating mutations in the TTN gene are expected to account for approximately 25% of familial and 18% of sporadic idiopathic DCM; however, truncating variants in the TTN gene have been reported in approximately 3% of reported control alleles. There has been little investigation into non-truncating variants. (Herman D et al. Truncations of titin causing dilated cardiomyopathy. N Eng J Med 366:619-628, 2012) The variant is found in DCM panel(s).

NM_001267550.2(TTN):c.49936C>T (p.Arg16646Trp)

Genes: TTN-AS1 (TTN antisense RNA 1; plus strand), TTN (titin; minus strand). Cytogenetic location: 2q31.2.
Variant type: single nucleotide variant.
Coding change: c.49936C>T on transcript NM_001267550.2 (MANE Select); coding-DNA position 49936, C replaced by T.
Protein change: p.Arg16646Trp; replaces arginine 16646 with tryptophan.
Molecular consequence: missense variant.
Genome position (GRCh38, 1-based): chr2:178,612,785, G>A on the plus strand (C>T on the coding strand, the complement: TTN is on the minus strand). VCF-style: chr2-178612785-G-A. GRCh37 (hg19) VCF-style: chr2-179477512-G-A.
Other names: p.R15005W:CGG>TGG; c.45013C>T, p.Arg15005Trp (NM_001256850.1); c.22741C>T, p.Arg7581Trp (NM_003319.4); c.42232C>T, p.Arg14078Trp (NM_133378.4); c.23116C>T, p.Arg7706Trp (NM_133432.3); c.23317C>T, p.Arg7773Trp (NM_133437.4); short protein forms R15005W, R16646W, R14078W, R7581W, R7706W, R7773W.
Identifiers: ClinVar variation 202679 (VCV000202679.2), dbSNP rs794729448, ClinGen allele CA309959.